The following is an entry in ClinVar:

ClinVar aggregate classification (germline): Uncertain significance (1 of 4 stars; one submission).

Allele frequency attached by ClinVar (database versions not stated): ExAC 0.00001; gnomAD 0.00001; gnomAD exomes 0.00001.
gnomAD v4.1: 5 of 1,613,970 alleles (0.00031%); highest among the groups gnomAD compares: Admixed American, 0.0033%; no homozygotes.

Submission:

Labcorp Genetics (formerly Invitae), Labcorp
Classification: Uncertain significance. Last evaluated: 2025-02-24. Review status: criteria provided, single submitter. Criteria: Invitae Variant Classification Sherloc (09022015). Collection method: clinical testing. Allele origin: germline.
Comment: This sequence change replaces glycine, which is neutral and non-polar, with glutamic acid, which is acidic and polar, at codon 171 of the TPP1 protein (p.Gly171Glu). This variant is present in population databases (rs779895571, gnomAD 0.006%). This variant has not been reported in the literature in individuals affected with TPP1-related conditions. ClinVar contains an entry for this variant (Variation ID: 1431515). Invitae Evidence Modeling of protein sequence and biophysical properties (such as structural, functional, and spatial information, amino acid conservation, physicochemical variation, residue mobility, and thermodynamic stability) has been performed for this missense variant. However, the output from this modeling did not meet the statistical confidence thresholds required to predict the impact of this variant on TPP1 protein function. In summary, the available evidence is currently insufficient to determine the role of this variant in disease. Therefore, it has been classified as a Variant of Uncertain Significance.

NM_000391.4(TPP1):c.512G>A (p.Gly171Glu)

Gene: TPP1 (tripeptidyl peptidase 1; minus strand). Cytogenetic location: 11p15.4.
Variant type: single nucleotide variant.
Coding change: c.512G>A on transcript NM_000391.4 (MANE Select); coding-DNA position 512, G replaced by A.
Protein change: p.Gly171Glu; replaces glycine 171 with glutamic acid.
Molecular consequence: missense variant.
Genome position (GRCh38, 1-based): chr11:6,617,150, C>T on the plus strand (G>A on the coding strand, the complement: TPP1 is on the minus strand). VCF-style: chr11-6617150-C-T. GRCh37 (hg19) VCF-style: chr11-6638381-C-T.
Other names: short protein forms G171E.
Identifiers: ClinVar variation 1431515 (VCV001431515.6), dbSNP rs779895571, ClinGen allele CA5858904.